The following is an entry in ClinVar:

NM_013296.5(GPSM2):c.697A>G (p.Lys233Glu)

Gene: GPSM2 (G protein signaling modulator 2; plus strand). Cytogenetic location: 1p13.3.
Variant type: single nucleotide variant.
Coding change: c.697A>G on transcript NM_013296.5 (MANE Select); coding-DNA position 697, A replaced by G.
Protein change: p.Lys233Glu; replaces lysine 233 with glutamic acid.
Molecular consequence: missense variant.
Genome position (GRCh38, 1-based): chr1:108,898,894, A>G. VCF-style: chr1-108898894-A-G. GRCh37 (hg19) VCF-style: chr1-109441516-A-G.
Other names: c.697A>G, p.Lys233Glu (NM_001321038.2, NM_001321039.3); short protein forms K233E.
Identifiers: ClinVar variation 780773 (VCV000780773.13), dbSNP rs142923222, ClinGen allele CA982863.

ClinVar aggregate classification (germline): Likely benign. Review status: criteria provided, multiple submitters, no conflicts (2 of 4 stars). 3 submissions from 3 submitters: Likely benign (2). 1 of the submissions does not count toward it. Last evaluated 2025-06-17.

Conditions:
GPSM2-related disorder. Also called: GPSM2-related disorders; GPSM2-related condition.

Allele frequency attached by ClinVar (database versions not stated): gnomAD exomes 0.00010 and 0.00018; ExAC 0.00022; 1000 Genomes Project 0.00060; 1000 Genomes Project 30x 0.00062; ESP Exome Variant Server 0.00062; gnomAD 0.00078 and 0.00085; TOPMed 0.00091.
gnomAD v4.1: 276 of 1,611,772 alleles (0.017%); highest among the groups gnomAD compares: African/African-American, 0.33%; 2 homozygotes.

Submissions (3):

Labcorp Genetics (formerly Invitae), Labcorp
Classification: Likely benign. Last evaluated: 2025-06-17. Review status: criteria provided, single submitter. Criteria: Invitae Variant Classification Sherloc (09022015). Collection method: clinical testing. Allele origin: germline.

GeneDx
Classification: Likely benign. Last evaluated: 2020-11-19. Review status: criteria provided, single submitter. Criteria: GeneDx Variant Classification Process June 2021. Collection method: clinical testing. Allele origin: germline. Affected: yes.
Comment: Has not been previously published as pathogenic or benign to our knowledge; In addition, in silico splice predictors suggest this variant may lead to abnormal gene splicing

PreventionGenetics, part of Exact Sciences
Classification: Likely benign for GPSM2-related condition. Last evaluated: 2022-10-19. Review status: no assertion criteria provided. Collection method: clinical testing. Allele origin: germline. Not counted in ClinVar's aggregate classification.
Comment: This variant is classified as likely benign based on ACMG/AMP sequence variant interpretation guidelines (Richards et al. 2015 PMID: 25741868, with internal and published modifications).